The following is an entry in ClinVar:

NM_001006658.3(CR2):c.2651G>A (p.Ser884Asn)

Gene: CR2 (complement C3d receptor 2; plus strand). Cytogenetic location: 1q32.2.
Variant type: single nucleotide variant.
Coding change: c.2651G>A on transcript NM_001006658.3 (MANE Select); coding-DNA position 2651, G replaced by A.
Protein change: p.Ser884Asn; replaces serine 884 with asparagine.
Molecular consequence: missense variant.
Genome position (GRCh38, 1-based): chr1:207,475,151, G>A. VCF-style: chr1-207475151-G-A. GRCh37 (hg19) VCF-style: chr1-207648496-G-A.
Other names: c.2474G>A, p.Ser825Asn (NM_001877.5); short protein forms S825N, S884N.
Identifiers: ClinVar variation 1026494 (VCV001026494.5), dbSNP rs200538061, ClinGen allele CA1369019.

ClinVar aggregate classification (germline): Uncertain significance. Review status: criteria provided, multiple submitters, no conflicts (2 of 4 stars). 2 submissions from 2 submitters: Uncertain significance (2). Last evaluated 2026-04-15.

Conditions:
Immunodeficiency, common variable, 7. Identifiers: Orphanet 1572, Orphanet 696894, MedGen C3542922, MONDO:0013862, OMIM 614699.

Allele frequency attached by ClinVar (database versions not stated): gnomAD 0.00001; gnomAD exomes 0.00001 and 0.00002; TOPMed 0.00001; ExAC 0.00002.
gnomAD v4.1: 19 of 1,612,812 alleles (0.0012%); no homozygotes.

Submissions (2):

Women's Health and Genetics/Laboratory Corporation of America, LabCorp
Classification: Uncertain significance. Last evaluated: 2026-04-15. Review status: criteria provided, single submitter. Criteria: LabCorp Variant Classification Summary - May 2015. Collection method: clinical testing. Allele origin: germline.

Labcorp Genetics (formerly Invitae), Labcorp
Classification: Uncertain significance for Immunodeficiency, common variable, 7. Last evaluated: 2022-08-16. Review status: criteria provided, single submitter. Criteria: Invitae Variant Classification Sherloc (09022015). Collection method: clinical testing. Allele origin: germline.
Comment: In summary, the available evidence is currently insufficient to determine the role of this variant in disease. Therefore, it has been classified as a Variant of Uncertain Significance. Algorithms developed to predict the effect of sequence changes on RNA splicing suggest that this variant may create or strengthen a splice site. Algorithms developed to predict the effect of missense changes on protein structure and function output the following: SIFT: "Tolerated"; PolyPhen-2: "Benign"; Align-GVGD: "Class C0". The asparagine amino acid residue is found in multiple mammalian species, which suggests that this missense change does not adversely affect protein function. ClinVar contains an entry for this variant (Variation ID: 1026494). This variant has not been reported in the literature in individuals affected with CR2-related conditions. This variant is present in population databases (rs200538061, gnomAD 0.05%). This sequence change replaces serine, which is neutral and polar, with asparagine, which is neutral and polar, at codon 884 of the CR2 protein (p.Ser884Asn).